The following is an entry in ClinVar:

NM_015488.5(PNKD):c.*902T>C

Genes: CATIP-AS2 (CATIP antisense RNA 2; minus strand), PNKD (PNKD metallo-beta-lactamase domain containing; plus strand). Cytogenetic location: 2q35.
Variant type: single nucleotide variant.
Coding change: c.*902T>C on transcript NM_015488.5 (MANE Select); 902 bases downstream of the stop codon, T replaced by C.
Molecular consequence: 3 prime UTR variant.
Genome position (GRCh38, 1-based): chr2:218,345,883, T>C. VCF-style: chr2-218345883-T-C. GRCh37 (hg19) VCF-style: chr2-219210606-T-C.
Other names: c.*902T>C (NM_022572.5).
Identifiers: ClinVar variation 334342 (VCV000334342.6), dbSNP rs1052578, ClinGen allele CA10614313.

ClinVar aggregate classification (germline): Benign. Review status: criteria provided, multiple submitters, no conflicts (2 of 4 stars). 2 submissions from 2 submitters: Benign (2). Last evaluated 2018-01-13.

Conditions:
Paroxysmal nonkinesigenic dyskinesia 1 (PNKD1). Also called: Nonkinesigenic choreoathetosis; Familial paroxysmal choreoathetosis; DYSTONIA 8; Familial Paroxysmal Nonkinesigenic Dyskinesia; MOUNT-REBACK SYNDROME; PxMD-PNKD. Identifiers: Orphanet 98810, MedGen C4551506, MONDO:0700089, OMIM 118800, MONDO:0007326.

Allele frequency attached by ClinVar (database versions not stated): TOPMed 0.42757; gnomAD 0.43563 and 0.44802; 1000 Genomes Project 30x 0.46830; 1000 Genomes Project 0.47664; gnomAD exomes 0.53774.
gnomAD v4.1: 68,301 of 152,420 alleles (45%); highest among the groups gnomAD compares: East Asian, 63%; 17,184 homozygotes.

Submissions (2):

Illumina Laboratory Services, Illumina
Classification: Benign for Paroxysmal nonkinesigenic dyskinesia 1. Last evaluated: 2018-01-13. Review status: criteria provided, single submitter. Criteria: ICSL Variant Classification Criteria 13 December 2019. Collection method: clinical testing. Allele origin: germline.
Comment: This variant was observed in the ICSL laboratory as part of a predisposition screen in an ostensibly healthy population. It had not been previously curated by ICSL or reported in the Human Gene Mutation Database (HGMD: prior to June 1st, 2018), and was therefore a candidate for classification through an automated scoring system. Utilizing variant allele frequency, disease prevalence and penetrance estimates, and inheritance mode, an automated score was calculated to assess if this variant is too frequent to cause the disease. Based on the score and internal cut-off values, a variant classified as benign is not then subjected to further curation. The score for this variant resulted in a classification of benign for this disease.

Breakthrough Genomics
Classification: Benign. Review status: criteria provided, single submitter. Criteria: ACMG Guidelines, 2015. Collection method: not provided. Allele origin: germline. Inheritance: Autosomal dominant inheritance. Affected: yes.